The following is an entry in ClinVar:

NM_004304.5(ALK):c.1912+5G>A

Gene: ALK (ALK receptor tyrosine kinase; minus strand). Cytogenetic location: 2p23.2.
Variant type: single nucleotide variant.
Coding change: c.1912+5G>A on transcript NM_004304.5 (MANE Select); 5 bases into the intron after coding-DNA position 1912, G replaced by A.
Molecular consequence: intron variant.
Genome position (GRCh38, 1-based): chr2:29,275,397, C>T on the plus strand (G>A on the coding strand, the complement: ALK is on the minus strand). VCF-style: chr2-29275397-C-T. GRCh37 (hg19) VCF-style: chr2-29498263-C-T.
Identifiers: ClinVar variation 4671293 (VCV004671293.1).

ClinVar aggregate classification (germline): Uncertain significance (1 of 4 stars; one submission).

Conditions:
Hereditary cancer-predisposing syndrome. Also called: Neoplastic Syndromes, Hereditary; Tumor predisposition; Hereditary Cancer Syndrome; Hereditary neoplastic syndrome. Identifiers: Orphanet 140162, MedGen C0027672, MeSH D009386, MONDO:0015356.

Submission:

Ambry Genetics
Classification: Uncertain significance for Hereditary cancer-predisposing syndrome. Last evaluated: 2025-09-23. Review status: criteria provided, single submitter. Criteria: Ambry Variant Classification Scheme 2023. Collection method: clinical testing. Allele origin: germline.
Comment: The c.1912+5G>A intronic variant results from a G to A substitution 5 nucleotides after coding exon 10 in the ALK gene. This nucleotide position is highly conserved in available vertebrate species. In silico splice site analysis predicts that this alteration will weaken the native splice donor site. Based on the available evidence, the clinical significance of this variant remains unclear.